The following is an entry in ClinVar:

ClinVar aggregate classification (germline): Conflicting classifications of pathogenicity. Review status: criteria provided, conflicting classifications (1 of 4 stars). 6 submissions from 5 submitters: Uncertain significance (5); Likely benign (1). Last evaluated 2026-09-21.

Conditions:
Bifunctional peroxisomal enzyme deficiency (DBIF). Also called: D-bifunctional protein deficiency; DBP DEFICIENCY; PBFE DEFICIENCY. Identifiers: Orphanet 300, MedGen C0342870, MONDO:0009855, OMIM 261515. Disease mechanism: loss of function.
Perrault syndrome. Also called: Gonadal dysgenesis with auditory dysfunction, autosomal recessive inheritance. Identifiers: Orphanet 2855, MedGen C0685838, MONDO:0017312.
Perrault syndrome 1 (PRLTS1). Also called: GONADAL DYSGENESIS, XX TYPE, WITH DEAFNESS; OVARIAN DYSGENESIS WITH SENSORINEURAL DEAFNESS. Identifiers: Orphanet 2855, Orphanet 642945, MedGen C4551721, MONDO:0009300, OMIM 233400.
HSD17B4-related disorder. Also called: HSD17B4-related disorders; HSD17B4-related condition.

Allele frequency attached by ClinVar (database versions not stated): gnomAD exomes 0.00006 and 0.00007; TOPMed 0.00007; ExAC 0.00010; gnomAD 0.00011; 1000 Genomes Project 30x 0.00031; 1000 Genomes Project 0.00040.
gnomAD v4.1: 99 of 1,612,858 alleles (0.0061%); highest among the groups gnomAD compares: Middle Eastern, 0.033%; no homozygotes.

Submissions (6):

PreventionGenetics, part of Exact Sciences
Classification: Uncertain significance for HSD17B4-related condition. Last evaluated: 2026-09-21. Review status: criteria provided, single submitter. Criteria: ACMG Guidelines, 2015. Collection method: clinical testing. Allele origin: germline.
Comment: The HSD17B4 c.790A>G variant is predicted to result in the amino acid substitution p.Met264Val. To our knowledge, this variant has not been reported in the literature. One laboratory reported this variant in the homozygous state in an individual with intellectual disability, autism, hypotonia, and hypertriglyceridemia in ClinVar (Variation ID: 904272). This variant is reported in 0.016% of alleles in individuals of South Asian descent in gnomAD. At this time, the clinical significance of this variant is uncertain due to the absence of conclusive functional and genetic evidence.

Labcorp Genetics (formerly Invitae), Labcorp
Classification: Uncertain significance for Perrault syndrome; Bifunctional peroxisomal enzyme deficiency. Last evaluated: 2024-10-17. Review status: criteria provided, single submitter. Criteria: Invitae Variant Classification Sherloc (09022015). Collection method: clinical testing. Allele origin: germline.
Comment: This sequence change replaces methionine, which is neutral and non-polar, with valine, which is neutral and non-polar, at codon 264 of the HSD17B4 protein (p.Met264Val). This variant is present in population databases (rs149283499, gnomAD 0.02%). This variant has not been reported in the literature in individuals affected with HSD17B4-related conditions. ClinVar contains an entry for this variant (Variation ID: 904272). Invitae Evidence Modeling of protein sequence and biophysical properties (such as structural, functional, and spatial information, amino acid conservation, physicochemical variation, residue mobility, and thermodynamic stability) indicates that this missense variant is not expected to disrupt HSD17B4 protein function with a negative predictive value of 95%. In summary, the available evidence is currently insufficient to determine the role of this variant in disease. Therefore, it has been classified as a Variant of Uncertain Significance.

Blueprint Genetics
Classification: Likely benign. Last evaluated: 2024-08-15. Review status: criteria provided, single submitter. Criteria: ACMG Guidelines, 2015. Collection method: clinical testing. Allele origin: germline.

New York Genome Center
Classification: Uncertain significance for Bifunctional peroxisomal enzyme deficiency. Last evaluated: 2020-11-04. Review status: criteria provided, single submitter. Criteria: NYGC Assertion Criteria 2020. Collection method: clinical testing. Allele origin: inherited. Observed: 1 homozygote. Study: CSER-NYCKidSeq.
Comment: The homozygous c.790A>G (p.Met264Val) variant identified in the HSD17B4 gene substitutes a moderately conserved Methionine for Valine at amino acid 264/737 (exon 11/24). This variant is found with low frequency in gnomAD (17 heterozygotes, 0 homozygotes; allele frequency: 1.11e-4) suggesting that it is not a common benign variant in the populations represented in that database. In silico algorithms predict this variant to be Tolerated (SIFT; score:0.945) and Benign (REVEL; score:0.261) to the function of the canonical transcript. This variant is reported in ClinVar as a Variant of Uncertain Significance (VarID:904272), and to our current knowledge has not been reported in affected individuals in the literature. The Met264 residue is within the N-terminal (3R)-hydroxyacyl-CoA dehydrogenase domain of HSD17B4 (UniProtKB:P51659). Given the lack of compelling evidence, the homozygous c.790A>G (p.Met264Val) variant identified in the HSD17B4 gene is reported as a Variant of Uncertain Significance.

Illumina Laboratory Services, Illumina
Classification: Uncertain significance for Bifunctional peroxisomal enzyme deficiency. Last evaluated: 2018-01-13. Review status: criteria provided, single submitter. Criteria: ICSL Variant Classification Criteria 13 December 2019. Collection method: clinical testing. Allele origin: germline.

Illumina Laboratory Services, Illumina
Classification: Uncertain significance for Perrault syndrome 1. Last evaluated: 2018-01-13. Review status: criteria provided, single submitter. Criteria: ICSL Variant Classification Criteria 13 December 2019. Collection method: clinical testing. Allele origin: germline.

NM_000414.4(HSD17B4):c.790A>G (p.Met264Val)

Gene: HSD17B4 (hydroxysteroid 17-beta dehydrogenase 4; plus strand). Cytogenetic location: 5q23.1.
Variant type: single nucleotide variant.
Coding change: c.790A>G on transcript NM_000414.4 (MANE Select); coding-DNA position 790, A replaced by G.
Protein change: p.Met264Val; replaces methionine 264 with valine.
Molecular consequence: missense variant. On other transcripts: non-coding transcript variant (2).
Genome position (GRCh38, 1-based): chr5:119,493,868, A>G. VCF-style: chr5-119493868-A-G. GRCh37 (hg19) VCF-style: chr5-118829563-A-G.
Other names: c.865A>G, p.Met289Val (NM_001199291.3); c.736A>G, p.Met246Val (NM_001199292.2); c.718A>G, p.Met240Val (NM_001292027.2); c.370A>G, p.Met124Val (NM_001292028.2); c.781A>G, p.Met261Val (NM_001374497.1); c.790A>G, p.Met264Val (NM_001374498.1); c.463A>G, p.Met155Val (NM_001374499.1); c.349A>G, p.Met117Val (NM_001374500.1); and 1 more; short protein forms M117V, M155V, M240V, M289V, M264V, M124V, M127V, M246V.
Identifiers: ClinVar variation 904272 (VCV000904272.10), dbSNP rs149283499, ClinGen allele CA3381984.